The following is an entry in ClinVar:

NM_007294.4(BRCA1):c.3569_3570del (p.Pro1190fs)

Genes: BRCA1 (BRCA1 DNA repair associated; minus strand), LOC126862571 (BRD4-independent group 4 enhancer GRCh37_chr17:41243136-41244335; plus strand). Cytogenetic location: 17q21.31.
Variant type: Deletion.
Coding change: c.3569_3570del on transcript NM_007294.4 (MANE Select); coding-DNA positions 3569 to 3570, 2 bases deleted (CT; older notation c.3569_3570delCT).
Protein change: p.Pro1190fs; shifts the reading frame from proline 1190.
Molecular consequence: frameshift variant. On other transcripts: intron variant (135).
Genome position (GRCh38, 1-based): chr17:43,091,961-43,091,962, AG deleted on the plus strand (CT on the coding strand, the reverse complement: BRCA1 is on the minus strand). VCF-style (leftmost placement, unchanged base first): chr17-43091960-TAG-T. GRCh37 (hg19) VCF-style: chr17-41243977-TAG-T.
Other names: 3688delCT; c.3356_3357del, p.Pro1119fs (NM_001407571.1, NM_001407895.1, NM_001407896.1 and 9 more transcripts); c.3569_3570del, p.Pro1190fs (NM_001407581.1, NM_001407582.1, NM_001407583.1 and 30 more transcripts); c.3566_3567del, p.Pro1189fs (NM_001407587.1, NM_001407590.1, NM_001407591.1 and 22 more transcripts); c.3491_3492del, p.Pro1164fs (NM_001407653.1, NM_001407654.1, NM_001407655.1 and 4 more transcripts); c.3488_3489del, p.Pro1163fs (NM_001407659.1, NM_001407660.1, NM_001407661.1 and 1 more transcripts); c.3443_3444del, p.Pro1148fs (NM_001407670.1, NM_001407671.1, NM_001407672.1 and 11 more transcripts); c.3446_3447del, p.Pro1149fs (NM_001407674.1, NM_001407675.1, NM_001407676.1 and 19 more transcripts); and 42 more; short protein forms P1143fs, P1190fs, P1119fs, P1142fs, P1189fs, P894fs, P1022fs, P1062fs.
Identifiers: ClinVar variation 54918 (VCV000054918.3), dbSNP rs80357845, ClinGen allele CA002276.
Genomic context (GRCh38, chr17:43,091,960, plus strand): 5'-ACTCTAATTTCTTGGCCCCTCTTCGGTAACCCTGAGCCAAATGTGTATGGGTGAAAGGGC[TAG>T]GACTCCTGCTAAGCTCTCCTTTCTGGACGCTTTTGCTAAAAACAGCAGAACTTTCCTTAA-3'

ClinVar aggregate classification (germline): Pathogenic. Review status: reviewed by expert panel (3 of 4 stars). 2 submissions from 2 submitters: Pathogenic (1). 1 of the submissions does not count toward it. Last evaluated 2016-09-08.

Conditions:
Breast-ovarian cancer, familial, susceptibility to, 1 (BROVCA1). Also called: BRCA1 Hereditary Breast and Ovarian Cancer; OVARIAN CANCER, SUSCEPTIBILITY TO. Identifiers: Orphanet 145, MedGen C2676676, MONDO:0011450, OMIM 604370. Disease mechanism: loss of function.

Submissions (2):

Evidence-based Network for the Interpretation of Germline Mutant Alleles (ENIGMA)
Classification: Pathogenic for Breast-ovarian cancer, familial, susceptibility to, 1. Last evaluated: 2016-09-08. Review status: reviewed by expert panel. Criteria: ENIGMA BRCA1/2 Classification Criteria (2015). Collection method: curation. Allele origin: germline.
Comment: Variant allele predicted to encode a truncated non-functional protein.

Breast Cancer Information Core (BIC) (BRCA1)
Classification: Pathogenic for Breast-ovarian cancer, familial 1. Last evaluated: 2003-12-23. Review status: no assertion criteria provided. Collection method: clinical testing. Allele origin: germline. Affected: yes. Observed: 1 variant allele. Not counted in ClinVar's aggregate classification.